The following is an entry in ClinVar:

NM_017617.5(NOTCH1):c.2588-104T>C

Gene: NOTCH1 (notch receptor 1; minus strand). Cytogenetic location: 9q34.3.
Variant type: single nucleotide variant.
Coding change: c.2588-104T>C on transcript NM_017617.5 (MANE Select); 104 bases into the intron before coding-DNA position 2588, T replaced by C.
Molecular consequence: intron variant.
Genome position (GRCh38, 1-based): chr9:136,510,909, A>G on the plus strand (T>C on the coding strand, the complement: NOTCH1 is on the minus strand). VCF-style: chr9-136510909-A-G. GRCh37 (hg19) VCF-style: chr9-139405361-A-G.
Identifiers: ClinVar variation 678554 (VCV000678554.1), dbSNP rs3125002, ClinGen allele CA13041484.

ClinVar aggregate classification (germline): Benign (1 of 4 stars; one submission).

Allele frequency attached by ClinVar (database versions not stated): gnomAD exomes 0.51637; gnomAD 0.63524 and 0.63620; TOPMed 0.65110; 1000 Genomes Project 0.72125; 1000 Genomes Project 30x 0.72361.
gnomAD v4.1: 799,499 of 1,509,640 alleles (53%); highest among the groups gnomAD compares: African/African-American, 88%; 221,703 homozygotes.

Submission:

GeneDx
Classification: Benign. Last evaluated: 2018-06-14. Review status: criteria provided, single submitter. Criteria: GeneDx Variant Classification (06012015). Collection method: clinical testing. Allele origin: germline. Affected: yes.
Comment: This variant is considered likely benign or benign based on one or more of the following criteria: it is a conservative change, it occurs at a poorly conserved position in the protein, it is predicted to be benign by multiple in silico algorithms, and/or has population frequency not consistent with disease.